The following is an entry in ClinVar:

NM_020822.3(KCNT1):c.2452A>G (p.Ile818Val)

Gene: KCNT1 (potassium sodium-activated channel subfamily T member 1; plus strand). Cytogenetic location: 9q34.3.
Variant type: single nucleotide variant.
Coding change: c.2452A>G on transcript NM_020822.3 (MANE Select); coding-DNA position 2452, A replaced by G.
Protein change: p.Ile818Val; replaces isoleucine 818 with valine.
Molecular consequence: missense variant.
Genome position (GRCh38, 1-based): chr9:135,777,440, A>G. VCF-style: chr9-135777440-A-G. GRCh37 (hg19) VCF-style: chr9-138669286-A-G.
Other names: c.2317A>G, p.Ile773Val (NM_001272003.2); short protein forms I773V, I818V.
Identifiers: ClinVar variation 1046318 (VCV001046318.10), dbSNP rs1306134073, ClinGen allele CA375513430.
Genomic context (GRCh38, chr9:135,777,440, plus strand): 5'-TTCAAGAACAAGCTGATCATCGTCTCGGCAGAGACGGCCGGCAATGGGCTGTACAACTTC[A>G]TCGTGCCACTGCGGGCCTACTACAGATCCCGCAAGGAGCTGAACCCCATCGTGCTGCTGC-3'
Protein context (NP_065873.2, residues 808-828): ETAGNGLYNF[Ile818Val]VPLRAYYRSR

ClinVar aggregate classification (germline): Uncertain significance. Review status: criteria provided, multiple submitters, no conflicts (2 of 4 stars). 3 submissions from 3 submitters: Uncertain significance (3). Last evaluated 2025-06-15.

Conditions:
Inborn genetic diseases. Identifiers: MedGen C0950123, MeSH D030342.
Developmental and epileptic encephalopathy, 14 (DEE14). Also called: Early infantile epileptic encephalopathy 14. Identifiers: Orphanet 293181, MedGen C3554195, MONDO:0013989, OMIM 614959.
Autosomal dominant nocturnal frontal lobe epilepsy 5. Also called: Epilepsy, nocturnal frontal lobe, 5; KCNT1-Related Epilepsy; CILIARY DYSKINESIA, PRIMARY, 28, WITH SITUS INVERSUS; CILIARY DYSKINESIA, PRIMARY, 28, WITHOUT SITUS INVERSUS. Identifiers: Orphanet 98784, MedGen C3554306, MONDO:0014002, OMIM 615005.

Allele frequency attached by ClinVar (database versions not stated): gnomAD 0.00001; gnomAD exomes 0.00001; TOPMed 0.00001.
gnomAD v4.1: 21 of 1,613,884 alleles (0.0013%); highest among the groups gnomAD compares: Middle Eastern, 0.099%; no homozygotes.

Submissions (3):

Labcorp Genetics (formerly Invitae), Labcorp
Classification: Uncertain significance for Autosomal dominant nocturnal frontal lobe epilepsy 5; Developmental and epileptic encephalopathy, 14. Last evaluated: 2025-06-15. Review status: criteria provided, single submitter. Criteria: Invitae Variant Classification Sherloc (09022015). Collection method: clinical testing. Allele origin: germline.
Comment: This sequence change replaces isoleucine, which is neutral and non-polar, with valine, which is neutral and non-polar, at codon 818 of the KCNT1 protein (p.Ile818Val). This variant is not present in population databases (gnomAD no frequency). This variant has not been reported in the literature in individuals affected with KCNT1-related conditions. ClinVar contains an entry for this variant (Variation ID: 1046318). Invitae Evidence Modeling of protein sequence and biophysical properties (such as structural, functional, and spatial information, amino acid conservation, physicochemical variation, residue mobility, and thermodynamic stability) indicates that this missense variant is not expected to disrupt KCNT1 protein function with a negative predictive value of 80%. In summary, the available evidence is currently insufficient to determine the role of this variant in disease. Therefore, it has been classified as a Variant of Uncertain Significance.

Blueprint Genetics
Classification: Uncertain significance. Last evaluated: 2021-11-15. Review status: criteria provided, single submitter. Criteria: ACMG Guidelines, 2015. Collection method: clinical testing. Allele origin: germline.

Ambry Genetics
Classification: Uncertain significance for Inborn genetic diseases. Last evaluated: 2018-10-12. Review status: criteria provided, single submitter. Criteria: Ambry Variant Classification Scheme 2023. Collection method: clinical testing. Allele origin: germline.
Comment: The p.I818V variant (also known as c.2452A>G), located in coding exon 21 of the KCNT1 gene, results from an A to G substitution at nucleotide position 2452. The isoleucine at codon 818 is replaced by valine, an amino acid with highly similar properties. This amino acid position is highly conserved in available vertebrate species. In addition, the in silico prediction for this alteration is inconclusive. Since supporting evidence is limited at this time, the clinical significance of this alteration remains unclear.